The following is an entry in ClinVar:

NM_001379286.1(ZNF423):c.2396G>A (p.Ser799Asn)

Gene: ZNF423 (zinc finger protein 423; minus strand). Cytogenetic location: 16q12.1.
Variant type: single nucleotide variant.
Coding change: c.2396G>A on transcript NM_001379286.1 (MANE Select); coding-DNA position 2396, G replaced by A.
Protein change: p.Ser799Asn; replaces serine 799 with asparagine.
Molecular consequence: missense variant.
Genome position (GRCh38, 1-based): chr16:49,636,780, C>T on the plus strand (G>A on the coding strand, the complement: ZNF423 is on the minus strand). VCF-style: chr16-49636780-C-T. GRCh37 (hg19) VCF-style: chr16-49670691-C-T.
Other names: c.2192G>A, p.Ser731Asn (NM_001271620.2); c.2021G>A, p.Ser674Asn (NM_001330533.2); c.2372G>A, p.Ser791Asn (NM_015069.5); short protein forms S674N, S799N, S791N, S731N.
Identifiers: ClinVar variation 1397235 (VCV001397235.7), dbSNP rs763561410, ClinGen allele CA8046510.

ClinVar aggregate classification (germline): Uncertain significance (1 of 4 stars; one submission).

Conditions:
Nephronophthisis 14 (NPHP14). Identifiers: Orphanet 2318, MedGen C3539071, MONDO:0013916, OMIM 614844.

Allele frequency attached by ClinVar (database versions not stated): gnomAD exomes below 0.00001; ExAC 0.00002.
gnomAD v4.1: 2 of 1,614,118 alleles (0.00012%); highest among the groups gnomAD compares: Non-Finnish European, 0.000085%; no homozygotes.

Submission:

Labcorp Genetics (formerly Invitae), Labcorp
Classification: Uncertain significance for Nephronophthisis 14. Last evaluated: 2024-10-08. Review status: criteria provided, single submitter. Criteria: Invitae Variant Classification Sherloc (09022015). Collection method: clinical testing. Allele origin: germline.
Comment: This sequence change replaces serine, which is neutral and polar, with asparagine, which is neutral and polar, at codon 791 of the ZNF423 protein (p.Ser791Asn). This variant is present in population databases (rs763561410, gnomAD 0.006%). This variant has not been reported in the literature in individuals affected with ZNF423-related conditions. ClinVar contains an entry for this variant (Variation ID: 1397235). Invitae Evidence Modeling of protein sequence and biophysical properties (such as structural, functional, and spatial information, amino acid conservation, physicochemical variation, residue mobility, and thermodynamic stability) indicates that this missense variant is not expected to disrupt ZNF423 protein function with a negative predictive value of 80%. In summary, the available evidence is currently insufficient to determine the role of this variant in disease. Therefore, it has been classified as a Variant of Uncertain Significance.